The following is an entry in ClinVar:

ClinVar aggregate classification (germline): Uncertain significance (1 of 4 stars; one submission).

Conditions:
Inborn genetic diseases. Identifiers: MedGen C0950123, MeSH D030342.

Submission:

Ambry Genetics
Classification: Uncertain significance for Inborn genetic diseases. Last evaluated: 2026-07-17. Review status: criteria provided, single submitter. Criteria: Ambry Variant Classification Scheme 2023. Collection method: clinical testing. Allele origin: germline.
Comment: The p.Q468R variant (also known as c.1403A>G), located in coding exon 11 of the BUB1B gene, results from an A to G substitution at nucleotide position 1403. The glutamine at codon 468 is replaced by arginine, an amino acid with highly similar properties. This amino acid position is conserved. In addition, this alteration is predicted to be tolerated by in silico analysis. Based on the available evidence, the clinical significance of this variant remains unclear.

NM_001211.6(BUB1B):c.1403A>G (p.Gln468Arg)

Gene: BUB1B (BUB1 mitotic checkpoint serine/threonine kinase B; plus strand). Cytogenetic location: 15q15.1.
Variant type: single nucleotide variant.
Coding change: c.1403A>G on transcript NM_001211.6 (MANE Select); coding-DNA position 1403, A replaced by G.
Protein change: p.Gln468Arg; replaces glutamine 468 with arginine.
Molecular consequence: missense variant.
Genome position (GRCh38, 1-based): chr15:40,200,245, A>G. VCF-style: chr15-40200245-A-G. GRCh37 (hg19) VCF-style: chr15-40492446-A-G.
Other names: short protein forms Q468R.
Identifiers: ClinVar variation 5033518 (VCV005033518.1).
Genomic context (GRCh38, chr15:40,200,245, plus strand): 5'-TAGAAAATAGCATTTTCTGGATGGGAGGGACATTGATTTTGTTTATTTAATGCAAACAGC[A>G]AGAAGAGACGATGCCTACAAAGGAGACAACTAAACTGCAAATTGCTTCCGAGTCTCAGAA-3'
Protein context (NP_001202.5, residues 458-478): TTQQERTGDQ[Gln468Arg]EETMPTKETT